The following is an entry in ClinVar:

ClinVar aggregate classification (germline): Uncertain significance (1 of 4 stars; one submission).

Allele frequency attached by ClinVar (database versions not stated): gnomAD exomes below 0.00001; gnomAD 0.00001; TOPMed 0.00002; ESP Exome Variant Server 0.00008.
gnomAD v4.1: 3 of 1,614,070 alleles (0.00019%); highest among the groups gnomAD compares: African/African-American, 0.004%; no homozygotes.

Submission:

Labcorp Genetics (formerly Invitae), Labcorp
Classification: Uncertain significance. Last evaluated: 2023-11-27. Review status: criteria provided, single submitter. Criteria: Invitae Variant Classification Sherloc (09022015). Collection method: clinical testing. Allele origin: germline.
Comment: This sequence change replaces leucine, which is neutral and non-polar, with phenylalanine, which is neutral and non-polar, at codon 1005 of the CAD protein (p.Leu1005Phe). This variant is present in population databases (rs371400184, gnomAD 0.007%). This variant has not been reported in the literature in individuals affected with CAD-related conditions. ClinVar contains an entry for this variant (Variation ID: 2077123). Advanced modeling of protein sequence and biophysical properties (such as structural, functional, and spatial information, amino acid conservation, physicochemical variation, residue mobility, and thermodynamic stability) performed at Invitae indicates that this missense variant is not expected to disrupt CAD protein function with a negative predictive value of 80%. In summary, the available evidence is currently insufficient to determine the role of this variant in disease. Therefore, it has been classified as a Variant of Uncertain Significance.

NM_004341.5(CAD):c.3013C>T (p.Leu1005Phe)

Gene: CAD (carbamoyl-phosphate synthetase 2, aspartate transcarbamylase, and dihydroorotase; plus strand). Cytogenetic location: 2p23.3.
Variant type: single nucleotide variant.
Coding change: c.3013C>T on transcript NM_004341.5 (MANE Select); coding-DNA position 3013, C replaced by T.
Protein change: p.Leu1005Phe; replaces leucine 1005 with phenylalanine.
Molecular consequence: missense variant.
Genome position (GRCh38, 1-based): chr2:27,233,333, C>T. VCF-style: chr2-27233333-C-T. GRCh37 (hg19) VCF-style: chr2-27456201-C-T.
Other names: c.2824C>T, p.Leu942Phe (NM_001306079.2); short protein forms L1005F, L942F.
Identifiers: ClinVar variation 2077123 (VCV002077123.2), dbSNP rs371400184, ClinGen allele CA44508641.